The following is an entry in ClinVar:

ClinVar aggregate classification (germline): Uncertain significance (1 of 4 stars; one submission).

Conditions:
Hereditary nonpolyposis colorectal neoplasms. Identifiers: MedGen C0009405, MeSH D003123.

Submission:

Labcorp Genetics (formerly Invitae), Labcorp
Classification: Uncertain significance for Hereditary nonpolyposis colorectal neoplasms. Last evaluated: 2021-12-05. Review status: criteria provided, single submitter. Criteria: Invitae Variant Classification Sherloc (09022015). Collection method: clinical testing. Allele origin: germline.
Comment: In summary, the available evidence is currently insufficient to determine the role of this variant in disease. Therefore, it has been classified as a Variant of Uncertain Significance. Algorithms developed to predict the effect of missense changes on protein structure and function are either unavailable or do not agree on the potential impact of this missense change (SIFT: "Deleterious"; PolyPhen-2: "Possibly Damaging"; Align-GVGD: "Class C0"). ClinVar contains an entry for this variant (Variation ID: 1055675). This variant has not been reported in the literature in individuals affected with MSH6-related conditions. This variant is not present in population databases (gnomAD no frequency). This sequence change replaces leucine, which is neutral and non-polar, with isoleucine, which is neutral and non-polar, at codon 1252 of the MSH6 protein (p.Leu1252Ile).

NM_000179.3(MSH6):c.3754T>A (p.Leu1252Ile)

Gene: MSH6 (mutS homolog 6; plus strand). Cytogenetic location: 2p16.3.
Variant type: single nucleotide variant.
Coding change: c.3754T>A on transcript NM_000179.3 (MANE Select); coding-DNA position 3754, T replaced by A.
Protein change: p.Leu1252Ile; replaces leucine 1252 with isoleucine.
Molecular consequence: missense variant.
Genome position (GRCh38, 1-based): chr2:47,806,311, T>A. VCF-style: chr2-47806311-T-A. GRCh37 (hg19) VCF-style: chr2-48033450-T-A.
Other names: c.3364T>A, p.Leu1122Ile (NM_001281492.2); c.2848T>A, p.Leu950Ile (NM_001281493.2, NM_001281494.2); short protein forms L1122I, L1252I, L950I.
Identifiers: ClinVar variation 1055675 (VCV001055675.7), dbSNP rs1415810815, ClinGen allele CA346761086.